The following is an entry in ClinVar:

NM_002905.5(RDH5):c.570-8G>A

Genes: BLOC1S1-RDH5 (BLOC1S1-RDH5 readthrough; plus strand), CD63 (CD63 molecule; minus strand), RDH5 (retinol dehydrogenase 5; plus strand). Cytogenetic location: 12q13.2.
Variant type: single nucleotide variant.
Coding change: c.570-8G>A on transcript NM_002905.5 (MANE Select); 8 bases into the intron before coding-DNA position 570, G replaced by A.
Molecular consequence: intron variant.
Genome position (GRCh38, 1-based): chr12:55,723,878, G>A. VCF-style: chr12-55723878-G-A. GRCh37 (hg19) VCF-style: chr12-56117662-G-A.
Other names: c.570-8G>A (NM_001199771.3, NM_002905.3).
Identifiers: ClinVar variation 1545968 (VCV001545968.10), dbSNP rs143431876, ClinGen allele CA6616888.

ClinVar aggregate classification (germline): Conflicting classifications of pathogenicity. Review status: criteria provided, conflicting classifications (1 of 4 stars). 3 submissions from 3 submitters: Uncertain significance (1); Likely benign (2). Last evaluated 2026-04-13.

Conditions:
RDH5-related disorder. Also called: RDH5-related condition.

Allele frequency attached by ClinVar (database versions not stated): 1000 Genomes Project 30x 0.00016.

Submissions (3):

PreventionGenetics, part of Exact Sciences
Classification: Likely benign for RDH5-related condition. Last evaluated: 2026-04-13. Review status: criteria provided, single submitter. Criteria: ACMG Guidelines, 2015. Collection method: clinical testing. Allele origin: germline.
Comment: This variant is classified as likely benign based on ACMG/AMP sequence variant interpretation guidelines (Richards et al. 2015 PMID: 25741868, with internal and published modifications).

Blueprint Genetics
Classification: Uncertain significance. Last evaluated: 2023-09-18. Review status: criteria provided, single submitter. Criteria: ACMG Guidelines, 2015. Collection method: clinical testing. Allele origin: germline.

Labcorp Genetics (formerly Invitae), Labcorp
Classification: Likely benign. Last evaluated: 2023-05-10. Review status: criteria provided, single submitter. Criteria: Invitae Variant Classification Sherloc (09022015). Collection method: clinical testing. Allele origin: germline.